The following is an entry in ClinVar:

ClinVar aggregate classification (germline): Likely benign (1 of 4 stars; one submission).

Allele frequency attached by ClinVar (database versions not stated): gnomAD exomes 0.00002; ExAC 0.00003; gnomAD 0.00003; ESP Exome Variant Server 0.00008; TOPMed 0.00009.
gnomAD v4.1: 34 of 1,613,730 alleles (0.0021%); highest among the groups gnomAD compares: Middle Eastern, 0.049%; 1 homozygote.

Submission:

CeGaT Center for Human Genetics Tuebingen
Classification: Likely benign. Last evaluated: 2023-02-01. Review status: criteria provided, single submitter. Criteria: CeGaT Center For Human Genetics Tuebingen Variant Classification Criteria Version 2. Collection method: clinical testing. Allele origin: germline. Affected: yes. Observed: 1 variant allele.
Comment: ZFHX3: BP4, BP7

NM_006885.4(ZFHX3):c.2757C>T (p.Gly919=)

Gene: ZFHX3 (zinc finger homeobox 3; minus strand). Cytogenetic location: 16q22.3.
Variant type: single nucleotide variant.
Coding change: c.2757C>T on transcript NM_006885.4 (MANE Select); coding-DNA position 2757, C replaced by T.
Protein change: p.Gly919=; no amino-acid change (glycine 919 retained).
Molecular consequence: synonymous variant.
Genome position (GRCh38, 1-based): chr16:72,950,928, G>A on the plus strand (C>T on the coding strand, the complement: ZFHX3 is on the minus strand). VCF-style: chr16-72950928-G-A. GRCh37 (hg19) VCF-style: chr16-72984827-G-A.
Other names: c.15C>T, p.Gly5= (NM_001164766.2); c.2757C>T, p.Gly919= (NM_001386735.1).
Identifiers: ClinVar variation 2646836 (VCV002646836.24), dbSNP rs141768802, ClinGen allele CA8164293.